The following is an entry in ClinVar:

NM_000465.4(BARD1):c.2209A>G (p.Ile737Val)

Gene: BARD1 (BRCA1 associated RING domain 1; minus strand). Cytogenetic location: 2q35.
Variant type: single nucleotide variant.
Coding change: c.2209A>G on transcript NM_000465.4 (MANE Select); coding-DNA position 2209, A replaced by G.
Protein change: p.Ile737Val; replaces isoleucine 737 with valine.
Molecular consequence: missense variant. On other transcripts: non-coding transcript variant (3).
Genome position (GRCh38, 1-based): chr2:214,728,801, T>C on the plus strand (A>G on the coding strand, the complement: BARD1 is on the minus strand). VCF-style: chr2-214728801-T-C. GRCh37 (hg19) VCF-style: chr2-215593525-T-C.
Other names: c.2152A>G, p.Ile718Val (NM_001282543.2); c.856A>G, p.Ile286Val (NM_001282545.2); c.799A>G, p.Ile267Val (NM_001282548.2); c.670A>G, p.Ile224Val (NM_001282549.2); short protein forms I737V, I224V, I286V, I267V, I718V.
Identifiers: ClinVar variation 232195 (VCV000232195.22), dbSNP rs761655616, ClinGen allele CA2090061.

ClinVar aggregate classification (germline): Uncertain significance. Review status: criteria provided, multiple submitters, no conflicts (2 of 4 stars). 5 submissions from 5 submitters: Uncertain significance (5). Last evaluated 2025-08-25.

Conditions:
Hereditary cancer-predisposing syndrome. Also called: Neoplastic Syndromes, Hereditary; Tumor predisposition; Hereditary Cancer Syndrome; Hereditary neoplastic syndrome. Identifiers: Orphanet 140162, MedGen C0027672, MeSH D009386, MONDO:0015356.
Familial cancer of breast. Also called: BREAST CANCER, FAMILIAL; hereditary breast carcinoma; Hereditary breast cancer. Identifiers: Orphanet 227535, MedGen C0346153, MONDO:0016419, OMIM 114480. Disease mechanism: loss of function.

Allele frequency attached by ClinVar (database versions not stated): gnomAD 0.00001; gnomAD exomes 0.00001 and 0.00002; TOPMed 0.00001; ExAC 0.00003.
gnomAD v4.1: 17 of 1,614,082 alleles (0.0011%); highest among the groups gnomAD compares: Non-Finnish European, 0.0014%; no homozygotes.

Submissions (5):

Ambry Genetics
Classification: Uncertain significance for Hereditary cancer-predisposing syndrome. Last evaluated: 2025-08-25. Review status: criteria provided, single submitter. Criteria: Ambry Variant Classification Scheme 2023. Collection method: clinical testing. Allele origin: germline.
Comment: The p.I737V variant (also known as c.2209A>G), located in coding exon 11 of the BARD1 gene, results from an A to G substitution at nucleotide position 2209. The isoleucine at codon 737 is replaced by valine, an amino acid with highly similar properties. This alteration was classified as VUS by one study that evaluated multiple lines of evidence, including population data, functional evidence, in silico prediction models, segregation with disease and clinical phenotype including tumor characteristics. (Tsai GJ et al. Genet Med, 2019 06;21:1435-1442). This amino acid position is well conserved with valine as a reference amino acid in some other species. In addition, this alteration is predicted to be tolerated by in silico analysis. Since supporting evidence is limited at this time, the clinical significance of this alteration remains unclear.

Labcorp Genetics (formerly Invitae), Labcorp
Classification: Uncertain significance for Familial cancer of breast. Last evaluated: 2025-08-24. Review status: criteria provided, single submitter. Criteria: Invitae Variant Classification Sherloc (09022015). Collection method: clinical testing. Allele origin: germline.
Comment: This sequence change replaces isoleucine, which is neutral and non-polar, with valine, which is neutral and non-polar, at codon 737 of the BARD1 protein (p.Ile737Val). This variant is present in population databases (rs761655616, gnomAD 0.004%). This missense change has been observed in individual(s) with colorectal cancer (PMID: 27978560). ClinVar contains an entry for this variant (Variation ID: 232195). An algorithm developed to predict the effect of missense changes on protein structure and function (PolyPhen-2) suggests that this variant is likely to be tolerated. RNA analysis performed to evaluate the impact of this missense change on mRNA splicing indicates it does not significantly alter splicing (internal data). In summary, the available evidence is currently insufficient to determine the role of this variant in disease. Therefore, it has been classified as a Variant of Uncertain Significance.

Baylor Genetics
Classification: Uncertain significance for Familial cancer of breast. Last evaluated: 2024-03-05. Review status: criteria provided, single submitter. Criteria: ACMG Guidelines, 2015. Collection method: clinical testing. Allele origin: unknown.

Color Diagnostics, LLC DBA Color Health
Classification: Uncertain significance for Hereditary cancer-predisposing syndrome. Last evaluated: 2020-08-05. Review status: criteria provided, single submitter. Criteria: ACMG Guidelines, 2015. Collection method: clinical testing. Allele origin: germline.
Comment: This missense variant replaces isoleucine with valine at codon 737 of the BARD1 protein. Computational prediction suggests that this variant may not impact protein structure and function (internally defined REVEL score threshold <= 0.5, PMID: 27666373). To our knowledge, functional studies have not been reported for this variant. This variant has been reported in an individual affected with colon cancer (PMID: 27978560). This variant has been identified in 5/251354 chromosomes in the general population by the Genome Aggregation Database (gnomAD). The available evidence is insufficient to determine the role of this variant in disease conclusively. Therefore, this variant is classified as a Variant of Uncertain Significance.

Women's Health and Genetics/Laboratory Corporation of America, LabCorp
Classification: Uncertain significance. Last evaluated: 2017-10-06. Review status: criteria provided, single submitter. Criteria: LabCorp Variant Classification Summary - May 2015. Collection method: clinical testing. Allele origin: germline.
Comment: Variant summary: The BARD1 c.2209A>G (p.Ile737Val) variant involves the alteration of a conserved nucleotide. 3/4 in silico tools predict a benign outcome for this variant (SNPsandGO not captured due to low reliability index). This variant was found in 5/246120 control chromosomes at a frequency of 0.0000203, which does not exceed the estimated maximal expected allele frequency of a pathogenic BARD1 variant (0.0002188). The variant has been reported in the literature, without strong evidence for causality (Pearlman_2017). In addition, a clinical diagnostic laboratory/reputable database classified this variant as uncertain significance. Taken together, this variant is classified as VUS.

Literature cited by the submitters: PubMed 27978560 (cited by 3 submitters); PubMed 30374176 (cited by Ambry Genetics).